The following is an entry in ClinVar:

ClinVar aggregate classification (germline): Uncertain significance. Review status: criteria provided, multiple submitters, no conflicts (2 of 4 stars). 2 submissions from 2 submitters: Uncertain significance (2). Last evaluated 2022-07-07.

Conditions:
Hereditary spastic paraplegia 39 (SPG39). Also called: SPASTIC PARAPLEGIA 39, AUTOSOMAL RECESSIVE; Spastic Paraplegia Type 39 (SPG39). Identifiers: Orphanet 139480, MedGen C2677586, MONDO:0012787, OMIM 612020.

Allele frequency attached by ClinVar (database versions not stated): ExAC 0.00001; gnomAD exomes 0.00001.
gnomAD v4.1: 7 of 1,610,500 alleles (0.00043%); highest among the groups gnomAD compares: Admixed American, 0.0017%; no homozygotes.

Submissions (2):

GeneDx
Classification: Uncertain significance. Last evaluated: 2022-07-07. Review status: criteria provided, single submitter. Criteria: GeneDx Variant Classification Process June 2021. Collection method: clinical testing. Allele origin: germline. Affected: yes.
Comment: Not observed at significant frequency in large population cohorts (gnomAD); In silico analysis supports that this missense variant has a deleterious effect on protein structure/function; Has not been previously published as pathogenic or benign to our knowledge

Labcorp Genetics (formerly Invitae), Labcorp
Classification: Uncertain significance for Hereditary spastic paraplegia 39. Last evaluated: 2022-03-26. Review status: criteria provided, single submitter. Criteria: Invitae Variant Classification Sherloc (09022015). Collection method: clinical testing. Allele origin: germline.
Comment: In summary, the available evidence is currently insufficient to determine the role of this variant in disease. Therefore, it has been classified as a Variant of Uncertain Significance. Algorithms developed to predict the effect of missense changes on protein structure and function are either unavailable or do not agree on the potential impact of this missense change (SIFT: "Deleterious"; PolyPhen-2: "Probably Damaging"; Align-GVGD: "Class C0"). This variant has not been reported in the literature in individuals affected with PNPLA6-related conditions. The frequency data for this variant in the population databases is considered unreliable, as metrics indicate poor data quality at this position in the gnomAD database. This sequence change replaces proline, which is neutral and non-polar, with leucine, which is neutral and non-polar, at codon 261 of the PNPLA6 protein (p.Pro261Leu).

NM_001166114.2(PNPLA6):c.899C>T (p.Pro300Leu)

Gene: PNPLA6 (patatin like domain 6, lysophospholipase; plus strand). Cytogenetic location: 19p13.2.
Variant type: single nucleotide variant.
Coding change: c.899C>T on transcript NM_001166114.2 (MANE Select); coding-DNA position 899, C replaced by T.
Protein change: p.Pro300Leu; replaces proline 300 with leucine.
Molecular consequence: missense variant.
Genome position (GRCh38, 1-based): chr19:7,541,026, C>T. VCF-style: chr19-7541026-C-T. GRCh37 (hg19) VCF-style: chr19-7605912-C-T.
Other names: c.926C>T, p.Pro309Leu (NM_001166111.2); c.782C>T, p.Pro261Leu (NM_001166112.2, NM_001166113.1, NM_006702.5); short protein forms P300L, P261L, P309L.
Identifiers: ClinVar variation 1810655 (VCV001810655.6), dbSNP rs753983870, ClinGen allele CA9139605.